The following is an entry in ClinVar:

NM_001352514.2(HLCS):c.2313C>G (p.His771Gln)

Gene: HLCS (holocarboxylase synthetase; minus strand). Cytogenetic location: 21q22.13.
Variant type: single nucleotide variant.
Coding change: c.2313C>G on transcript NM_001352514.2 (MANE Select); coding-DNA position 2313, C replaced by G.
Protein change: p.His771Gln; replaces histidine 771 with glutamine.
Molecular consequence: missense variant. On other transcripts: non-coding transcript variant (2).
Genome position (GRCh38, 1-based): chr21:36,756,679, G>C on the plus strand (C>G on the coding strand, the complement: HLCS is on the minus strand). VCF-style: chr21-36756679-G-C. GRCh37 (hg19) VCF-style: chr21-38128980-G-C.
Other names: c.1872C>G, p.His624Gln (NM_000411.8, NM_001242784.3, NM_001242785.2 and 4 more transcripts); short protein forms H624Q, H771Q.
Identifiers: ClinVar variation 1004906 (VCV001004906.6), dbSNP rs1376040224, ClinGen allele CA409919247.

ClinVar aggregate classification (germline): Uncertain significance (1 of 4 stars; one submission).

Conditions:
Holocarboxylase synthetase deficiency. Also called: MULTIPLE CARBOXYLASE DEFICIENCY, EARLY ONSET. Identifiers: Orphanet 79242, MedGen C0268581, MONDO:0009666, OMIM 253270.

Allele frequency attached by ClinVar (database versions not stated): TOPMed below 0.00001; gnomAD 0.00001.
gnomAD v4.1: 1 of 1,613,996 alleles (0.000062%); highest among the groups gnomAD compares: Non-Finnish European, 0.000085%; no homozygotes.

Submission:

Labcorp Genetics (formerly Invitae), Labcorp
Classification: Uncertain significance for Holocarboxylase synthetase deficiency. Last evaluated: 2021-08-27. Review status: criteria provided, single submitter. Criteria: Invitae Variant Classification Sherloc (09022015). Collection method: clinical testing. Allele origin: germline.
Comment: This sequence change replaces histidine with glutamine at codon 624 of the HLCS protein (p.His624Gln). The histidine residue is weakly conserved and there is a small physicochemical difference between histidine and glutamine. This variant is not present in population databases (ExAC no frequency). This variant has not been reported in the literature in individuals affected with HLCS-related conditions. Advanced modeling of protein sequence and biophysical properties (such as structural, functional, and spatial information, amino acid conservation, physicochemical variation, residue mobility, and thermodynamic stability) performed at Invitae indicates that this missense variant is not expected to disrupt HLCS protein function. In summary, the available evidence is currently insufficient to determine the role of this variant in disease. Therefore, it has been classified as a Variant of Uncertain Significance.